The following is an entry in ClinVar:

ClinVar aggregate classification (germline): Uncertain significance (1 of 4 stars; one submission).

Allele frequency attached by ClinVar (database versions not stated): gnomAD 0.00007; TOPMed 0.00011; ESP Exome Variant Server 0.00016; ExAC 0.00002.

Submission:

Labcorp Genetics (formerly Invitae), Labcorp
Classification: Uncertain significance. Last evaluated: 2024-12-09. Review status: criteria provided, single submitter. Criteria: Invitae Variant Classification Sherloc (09022015). Collection method: clinical testing. Allele origin: germline.
Comment: The COL18A1 gene has multiple clinically relevant transcripts. This variant occurs in alternate transcript NM_030582.4, and corresponds to NM_130445.3:c.107-12396A>G in the primary transcript. This sequence change replaces asparagine, which is neutral and polar, with aspartic acid, which is acidic and polar, at codon 106 of the COL18A1 protein (p.Asn106Asp). This variant is present in population databases (rs375714903, gnomAD 0.03%). This variant has not been reported in the literature in individuals affected with COL18A1-related conditions. ClinVar contains an entry for this variant (Variation ID: 1984874). Experimental studies and prediction algorithms are not available or were not evaluated, and the functional significance of this variant is currently unknown. Algorithms developed to predict the effect of sequence changes on RNA splicing suggest that this variant is not likely to affect RNA splicing. In summary, the available evidence is currently insufficient to determine the role of this variant in disease. Therefore, it has been classified as a Variant of Uncertain Significance.

NM_001379500.1(COL18A1):c.107-12396A>G

Gene: COL18A1 (collagen type XVIII alpha 1 chain; plus strand). Cytogenetic location: 21q22.3.
Variant type: single nucleotide variant.
Coding change: c.107-12396A>G on transcript NM_001379500.1 (MANE Select); 12396 bases into the intron before coding-DNA position 107, A replaced by G.
Molecular consequence: intron variant. On other transcripts: missense variant (2).
Genome position (GRCh38, 1-based): chr21:45,455,846, A>G. VCF-style: chr21-45455846-A-G. GRCh37 (hg19) VCF-style: chr21-46875760-A-G.
Other names: c.316A>G, p.Asn106Asp (NM_030582.4, NM_130444.3); short protein forms N106D.
Identifiers: ClinVar variation 1984874 (VCV001984874.4), dbSNP rs375714903, ClinGen allele CA10065438.
Genomic context (GRCh38, chr21:45,455,846, plus strand): 5'-CTGCTGGAAGATGGCCAGGACACCCCCACTTCTGCCGAGAGCCCGGACGCGCCAGAGGAG[A>G]ACATTGCCGGTGTCGGAGCCGAGATCCTGAACGTGGCCAAAGGCATCCGGAGCTTCGTCC-3'